The following is an entry in ClinVar:

NM_000091.5(COL4A3):c.4928+1G>T

Genes: COL4A3 (collagen type IV alpha 3 chain; plus strand), MFF-DT (MFF divergent transcript; minus strand). Cytogenetic location: 2q36.3.
Variant type: single nucleotide variant.
Coding change: c.4928+1G>T on transcript NM_000091.5 (MANE Select); the canonical splice donor site of the intron after coding-DNA position 4928, G replaced by T.
Molecular consequence: splice donor variant.
Genome position (GRCh38, 1-based): chr2:227,310,949, G>T. VCF-style: chr2-227310949-G-T. GRCh37 (hg19) VCF-style: chr2-228175665-G-T.
Identifiers: ClinVar variation 2109286 (VCV002109286.4), dbSNP rs2073718422, ClinGen allele CA350866692.

ClinVar aggregate classification (germline): Pathogenic (1 of 4 stars; one submission).

Submission:

Labcorp Genetics (formerly Invitae), Labcorp
Classification: Pathogenic. Last evaluated: 2022-03-11. Review status: criteria provided, single submitter. Criteria: Invitae Variant Classification Sherloc (09022015). Collection method: clinical testing. Allele origin: germline.
Comment: Variants that disrupt the consensus splice site are a relatively common cause of aberrant splicing (PMID: 17576681, 9536098). Algorithms developed to predict the effect of sequence changes on RNA splicing suggest that this variant may disrupt the consensus splice site. This sequence change affects a donor splice site in intron 51 of the COL4A3 gene. While this variant is not anticipated to result in nonsense mediated decay, it likely alters RNA splicing and results in a disrupted protein product. This variant is not present in population databases (gnomAD no frequency). This variant has not been reported in the literature in individuals affected with COL4A3-related conditions. This variant disrupts a region of the COL4A3 protein in which other variant(s) (p.Arg1661Cys) have been determined to be pathogenic (PMID: 11134255, 24052634, 26809805; Invitae). This suggests that this is a clinically significant region of the protein, and that variants that disrupt it are likely to be disease-causing. For these reasons, this variant has been classified as Pathogenic.

Literature cited by the submitters: PubMed 17576681; PubMed 9536098; PubMed 11134255; PubMed 24052634; PubMed 26809805.